The following is an entry in ClinVar:

NM_000179.3(MSH6):c.204G>A (p.Lys68=)

Gene: MSH6 (mutS homolog 6; plus strand). Cytogenetic location: 2p16.3.
Variant type: single nucleotide variant.
Coding change: c.204G>A on transcript NM_000179.3 (MANE Select); coding-DNA position 204, G replaced by A.
Protein change: p.Lys68=; no amino-acid change (lysine 68 retained).
Molecular consequence: synonymous variant. On other transcripts: 5 prime UTR variant (1).
Genome position (GRCh38, 1-based): chr2:47,783,437, G>A. VCF-style: chr2-47783437-G-A. GRCh37 (hg19) VCF-style: chr2-48010576-G-A.
Other names: c.204G>A, p.Lys68= (NM_001281492.2); c.-533G>A (NM_001281493.2).
Identifiers: ClinVar variation 220526 (VCV000220526.32), dbSNP rs864622565, ClinGen allele CA349415.

ClinVar aggregate classification (germline): Benign/Likely benign. Review status: criteria provided, multiple submitters, no conflicts (2 of 4 stars). 8 submissions from 8 submitters: Benign (1); Likely benign (7). Last evaluated 2026-01-27.

Conditions:
Hereditary nonpolyposis colorectal neoplasms. Identifiers: MedGen C0009405, MeSH D003123.
Hereditary cancer-predisposing syndrome. Also called: Neoplastic Syndromes, Hereditary; Hereditary Cancer Syndrome; Tumor predisposition; Hereditary neoplastic syndrome. Identifiers: Orphanet 140162, MedGen C0027672, MeSH D009386, MONDO:0015356.
Lynch syndrome. Identifiers: Orphanet 144, MedGen C4552100, MONDO:0005835. Disease mechanism: loss of function.
Lynch syndrome 5 (LYNCH5). Also called: Colorectal cancer, hereditary nonpolyposis, type 5; Hereditary non-polyposis colorectal cancer, type 5. Identifiers: Orphanet 144, MedGen C1833477, MONDO:0013710, OMIM 614350. Disease mechanism: loss of function.

Allele frequency attached by ClinVar (database versions not stated): gnomAD exomes below 0.00001 and 0.00001; TOPMed below 0.00001; gnomAD 0.00002.
gnomAD v4.1: 8 of 1,500,774 alleles (0.00053%); highest among the groups gnomAD compares: African/African-American, 0.0043%; no homozygotes.

Submissions (8):

Labcorp Genetics (formerly Invitae), Labcorp
Classification: Likely benign for Hereditary nonpolyposis colorectal neoplasms. Last evaluated: 2026-01-27. Review status: criteria provided, single submitter. Criteria: Invitae Variant Classification Sherloc (09022015). Collection method: clinical testing. Allele origin: germline.

CeGaT Center for Human Genetics Tuebingen
Classification: Likely benign. Last evaluated: 2025-06-01. Review status: criteria provided, single submitter. Criteria: CeGaT Center For Human Genetics Tuebingen Variant Classification Criteria Version 2. Collection method: clinical testing. Allele origin: germline. Affected: yes. Observed: 1 variant allele.
Comment: MSH6: BP4, BP7

Myriad Genetics, Inc.
Classification: Benign for Lynch syndrome 5. Last evaluated: 2024-12-17. Review status: criteria provided, single submitter. Criteria: Myriad Autosomal Dominant, Autosomal Recessive and X-Linked Classification Criteria (2023). Collection method: clinical testing. Allele origin: unknown.
Comment: This variant is considered benign. This variant is a silent/synonymous amino acid change and it is not expected to impact splicing.

Department of Pathology and Laboratory Medicine, Sinai Health System
Classification: Likely benign for Lynch syndrome. Last evaluated: 2023-02-22. Review status: criteria provided, single submitter. Criteria: ACMG Guidelines, 2015. Collection method: clinical testing. Allele origin: germline. Affected: yes.

Mendelics
Classification: Likely benign for Lynch syndrome 5. Last evaluated: 2019-05-28. Review status: criteria provided, single submitter. Criteria: Mendelics Assertion Criteria 2017. Collection method: clinical testing. Allele origin: unknown.

GeneDx
Classification: Likely benign. Last evaluated: 2018-08-22. Review status: criteria provided, single submitter. Criteria: GeneDx Variant Classification Process June 2021. Collection method: clinical testing. Allele origin: germline. Affected: yes.

Color Diagnostics, LLC DBA Color Health
Classification: Likely benign for Hereditary cancer-predisposing syndrome. Last evaluated: 2018-05-22. Review status: criteria provided, single submitter. Criteria: ACMG Guidelines, 2015. Collection method: clinical testing. Allele origin: germline.

Ambry Genetics
Classification: Likely benign for Hereditary cancer-predisposing syndrome. Last evaluated: 2017-10-24. Review status: criteria provided, single submitter. Criteria: Ambry Variant Classification Scheme 2023. Collection method: clinical testing. Allele origin: germline.